The following is an entry in ClinVar:

ClinVar aggregate classification (germline): Uncertain significance (1 of 4 stars; one submission).

Conditions:
Cardiac arrhythmia. Also called: Cardiac rhythm disease; Arrhythmia. Identifiers: MedGen C0003811, MONDO:0007263, HP:0011675.

Submission:

Labcorp Genetics (formerly Invitae), Labcorp
Classification: Uncertain significance for Cardiac arrhythmia. Last evaluated: 2022-07-26. Review status: criteria provided, single submitter. Criteria: Invitae Variant Classification Sherloc (09022015). Collection method: clinical testing. Allele origin: germline.
Comment: Experimental studies and prediction algorithms are not available or were not evaluated, and the functional significance of this variant is currently unknown. ClinVar contains an entry for this variant (Variation ID: 1001327). This variant has not been reported in the literature in individuals affected with RANGRF-related conditions. This variant is not present in population databases (gnomAD no frequency). This variant, c.371_373del, results in the deletion of 1 amino acid(s) of the RANGRF protein (p.Leu124del), but otherwise preserves the integrity of the reading frame. In summary, the available evidence is currently insufficient to determine the role of this variant in disease. Therefore, it has been classified as a Variant of Uncertain Significance.

NM_016492.5(RANGRF):c.371_373del (p.Leu124del)

Genes: RANGRF (RAN guanine nucleotide release factor; plus strand), SLC25A35 (solute carrier family 25 member 35; minus strand). Cytogenetic location: 17p13.1.
Variant type: Deletion.
Coding change: c.371_373del on transcript NM_016492.5 (MANE Select); coding-DNA positions 371 to 373, 3 bases deleted (TTC; older notation c.371_373delTTC).
Protein change: p.Leu124del; deletes leucine 124.
Molecular consequence: inframe deletion. On other transcripts: 3 prime UTR variant (1), non-coding transcript variant (1), intron variant (3).
Genome position (GRCh38, 1-based): chr17:8,289,522-8,289,524, TTC deleted; deleting any 3 consecutive bases within chr17:8,289,521-8,289,524 gives the same sequence; the c. name uses the placement nearest the transcript's 3' end. VCF-style (leftmost placement, unchanged base first): chr17-8289520-ACTT-A. GRCh37 (hg19) VCF-style: chr17-8192838-ACTT-A.
Other names: c.371_373del, p.Leu124del (NM_001177801.2); c.459_461del, p.Ser155del (NM_001177802.2); c.*93_*95del (NM_201520.3); c.*42+51_*42+53del (NM_001320871.2, NM_001320872.2); c.351+108_351+110del (NM_001330127.2); short protein forms L124del, S155del.
Identifiers: ClinVar variation 1001327 (VCV001001327.11), dbSNP rs989144688, ClinGen allele CA287554498.